The following is an entry in ClinVar:

ClinVar aggregate classification (germline): Uncertain significance. Review status: criteria provided, multiple submitters, no conflicts (2 of 4 stars). 7 submissions from 7 submitters: Uncertain significance (5). 2 of the submissions do not count toward it. Last evaluated 2024-11-13.

Conditions:
Cardiovascular phenotype. Identifiers: MedGen CN230736.
Cardiac arrhythmia. Also called: Arrhythmia; Cardiac rhythm disease. Identifiers: MedGen C0003811, MONDO:0007263, HP:0011675.
Familial long QT syndrome (RWS). Also called: Congenital long QT syndrome; Romano-Ward syndrome; VENTRICULAR FIBRILLATION WITH PROLONGED QT INTERVAL. Identifiers: Orphanet 768, MedGen C1141890, MONDO:0019171.
Long QT syndrome (LQTS). Identifiers: MedGen C0023976, MeSH D008133, MONDO:0002442. Disease mechanism: loss of function. Inheritance: Various modes of inheritance.
Long QT syndrome 2 (LQT2). Identifiers: Orphanet 101016, Orphanet 768, MedGen C3150943, MONDO:0013367, OMIM 613688.

Allele frequency attached by ClinVar (database versions not stated): gnomAD exomes 0.00002 and 0.00004; ESP Exome Variant Server 0.00008; ExAC 0.00003; gnomAD 0.00003 and 0.00004; TOPMed 0.00005; 1000 Genomes Project 0.00020; 1000 Genomes Project 30x 0.00016.
gnomAD v4.1: 68 of 1,610,422 alleles (0.0042%); highest among the groups gnomAD compares: South Asian, 0.0066%; no homozygotes.

Submissions (7):

Labcorp Genetics (formerly Invitae), Labcorp
Classification: Uncertain significance for Long QT syndrome. Last evaluated: 2024-11-13. Review status: criteria provided, single submitter. Criteria: Invitae Variant Classification Sherloc (09022015). Collection method: clinical testing. Allele origin: germline.
Comment: This sequence change replaces proline, which is neutral and non-polar, with leucine, which is neutral and non-polar, at codon 1075 of the KCNH2 protein (p.Pro1075Leu). This variant is present in population databases (rs199473028, gnomAD 0.01%). This missense change has been observed in individuals with long QT syndrome (PMID: 17905336, 20386770, 20850565). ClinVar contains an entry for this variant (Variation ID: 67481). An algorithm developed to predict the effect of missense changes on protein structure and function (PolyPhen-2) suggests that this variant is likely to be disruptive. Experimental studies are conflicting or provide insufficient evidence to determine the effect of this variant on KCNH2 function (PMID: 31557540, 34930020). In summary, the available evidence is currently insufficient to determine the role of this variant in disease. Therefore, it has been classified as a Variant of Uncertain Significance.

Color Diagnostics, LLC DBA Color Health
Classification: Uncertain significance for Cardiac arrhythmia. Last evaluated: 2024-08-05. Review status: criteria provided, single submitter. Criteria: ACMG Guidelines, 2015. Collection method: clinical testing. Allele origin: germline.
Comment: This missense variant replaces proline with leucine at codon 1075 of the KCNH2 protein. This variant is found within a highly conserved region in the C-terminal cytoplasmic domain (a.a. 843-1159). Rare non-truncating variants in this region have been shown to be significantly overrepresented in individuals with long QT syndrome (PMID: 32893267). Functional studies have provided conflicting observations regarding the impact of this variant on KCNH2 channel function (PMID: 31557540, 34930020). This variant has been reported in two individuals affected with long QT syndrome (PMID: 17905336, 20850565), in an individual affected with complete atrioventricular block and torsades de pointes (PMID: 20386770), in an individual suspected of having epilepsy (PMID: 31696929). This variant has also been identified in three individuals without arrhythmia (PMID: 34930020), as well as in 5/249490 chromosomes in the general population by the Genome Aggregation Database (gnomAD). The available evidence is insufficient to determine the role of this variant in disease conclusively. Therefore, this variant is classified as a Variant of Uncertain Significance.

Blueprint Genetics
Classification: Uncertain significance. Last evaluated: 2024-06-14. Review status: criteria provided, single submitter. Criteria: ACMG Guidelines, 2015. Collection method: clinical testing. Allele origin: germline.

Ambry Genetics
Classification: Uncertain significance for Cardiovascular phenotype. Last evaluated: 2020-07-13. Review status: criteria provided, single submitter. Criteria: Ambry Variant Classification Scheme 2023. Collection method: clinical testing. Allele origin: germline.

Mendelics
Classification: Uncertain significance for Long QT syndrome 2. Last evaluated: 2019-05-28. Review status: criteria provided, single submitter. Criteria: Mendelics Assertion Criteria 2017. Collection method: clinical testing. Allele origin: unknown.

CSER _CC_NCGL, University of Washington
Classification: Uncertain significance for Long QT syndrome. Last evaluated: 2014-06-01. Review status: no assertion criteria provided. Collection method: research. Allele origin: germline. Inheritance: Autosomal dominant inheritance. Study: ESP 6500 variant annotation. Not counted in ClinVar's aggregate classification.
Comment: Variants classified for the Actionable exomic incidental findings in 6503 participants: challenges of variant classification manuscript

Cardiovascular Biomedical Research Unit, Royal Brompton & Harefield NHS Foundation Trust
No classification provided. Condition: Familial long QT syndrome. Review status: no classification provided. Collection method: literature only. Allele origin: germline. Not counted in ClinVar's aggregate classification.
Comment: This variant has been reported as associated with Long QT syndrome in the following publications (PMID:17905336). This is a literature report, and does not necessarily reflect the clinical interpretation of the Imperial College / Royal Brompton Cardiovascular Genetics laboratory.

Literature cited by the submitters: PubMed 17905336 (cited by 3 submitters); PubMed 20386770 (cited by Labcorp Genetics (formerly Invitae), Labcorp and Color Diagnostics, LLC DBA Color Health); PubMed 20850565 (cited by Labcorp Genetics (formerly Invitae), Labcorp and Color Diagnostics, LLC DBA Color Health); PubMed 31557540 (cited by Labcorp Genetics (formerly Invitae), Labcorp and Color Diagnostics, LLC DBA Color Health); PubMed 34930020 (cited by Labcorp Genetics (formerly Invitae), Labcorp and Color Diagnostics, LLC DBA Color Health); PubMed 31696929 (cited by Color Diagnostics, LLC DBA Color Health); PubMed 32893267 (cited by Color Diagnostics, LLC DBA Color Health); PubMed 22581653 (cited by Cardiovascular Biomedical Research Unit, Royal Brompton & Harefield NHS Foundation Trust).

NM_000238.4(KCNH2):c.3224C>T (p.Pro1075Leu)

Gene: KCNH2 (potassium voltage-gated channel subfamily H member 2; minus strand). Cytogenetic location: 7q36.1.
Variant type: single nucleotide variant.
Coding change: c.3224C>T on transcript NM_000238.4 (MANE Select); coding-DNA position 3224, C replaced by T.
Protein change: p.Pro1075Leu; replaces proline 1075 with leucine.
Molecular consequence: missense variant.
Genome position (GRCh38, 1-based): chr7:150,946,983, G>A on the plus strand (C>T on the coding strand, the complement: KCNH2 is on the minus strand). VCF-style: chr7-150946983-G-A. GRCh37 (hg19) VCF-style: chr7-150644071-G-A.
Other names: c.3224C>T (LRG_288t1); c.2204C>T, p.Pro735Leu (NM_172057.3); short protein forms P1075L, P735L.
Identifiers: ClinVar variation 67481 (VCV000067481.15), dbSNP rs199473028, ClinGen allele CA008118.